The following is an entry in ClinVar:

NM_001277115.2(DNAH11):c.9483+1G>A

Gene: DNAH11 (dynein axonemal heavy chain 11; plus strand). Cytogenetic location: 7p15.3.
Variant type: single nucleotide variant.
Coding change: c.9483+1G>A on transcript NM_001277115.2 (MANE Select); the canonical splice donor site of the intron after coding-DNA position 9483, G replaced by A.
Molecular consequence: splice donor variant.
Genome position (GRCh38, 1-based): chr7:21,779,105, G>A. VCF-style: chr7-21779105-G-A. GRCh37 (hg19) VCF-style: chr7-21818723-G-A.
Identifiers: ClinVar variation 4888184 (VCV004888184.1).

ClinVar aggregate classification (germline): Uncertain significance (1 of 4 stars; one submission).

gnomAD v4.1: 5 of 1,611,372 alleles (0.00031%); highest among the groups gnomAD compares: East Asian, 0.0022%; no homozygotes.

Submission:

GeneDx
Classification: Uncertain significance. Last evaluated: 2026-02-06. Review status: criteria provided, single submitter. Criteria: GeneDx Variant Classification Process June 2021. Collection method: clinical testing. Allele origin: germline.
Comment: Canonical splice site variant predicted to result in an in-frame loss of the adjacent exon in a gene for which loss of function is a known mechanism of disease; Has not been previously published as pathogenic or benign to our knowledge